The following is an entry in ClinVar:

NM_015559.3(SETBP1):c.514dup (p.Ser172fs)

Gene: SETBP1 (SET binding protein 1; plus strand). Cytogenetic location: 18q12.3.
Variant type: Duplication.
Coding change: c.514dup on transcript NM_015559.3 (MANE Select); coding-DNA position 514, one base duplicated (A; older notation c.514dupA).
Protein change: p.Ser172fs; shifts the reading frame from serine 172.
Molecular consequence: frameshift variant.
Genome position (GRCh38, 1-based): chr18:44,869,257, A duplicated. VCF-style (leftmost placement, unchanged base first): chr18-44869256-C-CA. GRCh37 (hg19) VCF-style: chr18-42449221-C-CA.
Other names: c.514dup, p.Ser172Lysfs (NM_001410862.1); c.514dup, p.Ser172fs (NM_001130110.2, NM_001379141.1, NM_001379142.1); short protein forms S172fs.
Identifiers: ClinVar variation 2014025 (VCV002014025.4), dbSNP rs2511247912, ClinGen allele CA2580095695.

ClinVar aggregate classification (germline): Pathogenic (1 of 4 stars; one submission).

Submission:

Labcorp Genetics (formerly Invitae), Labcorp
Classification: Pathogenic. Last evaluated: 2022-07-04. Review status: criteria provided, single submitter. Criteria: Invitae Variant Classification Sherloc (09022015). Collection method: clinical testing. Allele origin: germline.
Comment: This sequence change creates a premature translational stop signal (p.Ser172Lysfs*2) in the SETBP1 gene. It is expected to result in an absent or disrupted protein product. Loss-of-function variants in SETBP1 are known to be pathogenic (PMID: 21037274, 25217958). This variant is not present in population databases (gnomAD no frequency). This variant has not been reported in the literature in individuals affected with SETBP1-related conditions. For these reasons, this variant has been classified as Pathogenic.

Literature cited by the submitters: PubMed 21037274; PubMed 25217958.